The following is an entry in ClinVar:

NM_000304.4(PMP22):c.255C>G (p.Cys85Trp)

Gene: PMP22 (peripheral myelin protein 22; minus strand). Cytogenetic location: 17p12.
Variant type: single nucleotide variant.
Coding change: c.255C>G on transcript NM_000304.4 (MANE Select); coding-DNA position 255, C replaced by G.
Protein change: p.Cys85Trp; replaces cysteine 85 with tryptophan.
Molecular consequence: missense variant. On other transcripts: non-coding transcript variant (2).
Genome position (GRCh38, 1-based): chr17:15,239,535, G>C on the plus strand (C>G on the coding strand, the complement: PMP22 is on the minus strand). VCF-style: chr17-15239535-G-C. GRCh37 (hg19) VCF-style: chr17-15142852-G-C.
Other names: c.255C>G, p.Cys85Trp (NM_001281455.2, NM_001281456.2, NM_001330143.2 and 2 more transcripts); short protein forms C85W.
Identifiers: ClinVar variation 531692 (VCV000531692.15), dbSNP rs755701957, ClinGen allele CA288098333.

ClinVar aggregate classification (germline): Uncertain significance. Review status: criteria provided, multiple submitters, no conflicts (2 of 4 stars). 7 submissions from 7 submitters: Uncertain significance (6). 1 of the submissions does not count toward it. Last evaluated 2026-01-29.

Conditions:
PMP22-related disorder. Also called: PMP22-related condition; PMP22-related disorders.
Distal spinal muscular atrophy. Also called: Distal hereditary motor neuropathy; Distal hereditary motor neuronopathy. Identifiers: Orphanet 53739, MedGen C0393541, MONDO:0018894.
Charcot-Marie-Tooth disease, type I (CMT1). Also called: Charcot-Marie-Tooth, Type 1; Charcot-Marie-Tooth disease type 1. Identifiers: Orphanet 65753, MedGen C0751036, MONDO:0019011.
Inborn genetic diseases. Identifiers: MedGen C0950123, MeSH D030342.
Dejerine-Sottas disease. Also called: HEREDITARY MOTOR AND SENSORY NEUROPATHY TYPE III; Charcot-Marie-Tooth disease type 3; HMSN Type III; DEJERINE-SOTTAS NEUROPATHY; Hereditary motor and sensory neuropathy 3. Identifiers: Orphanet 64748, MedGen C0011195, MONDO:0007790, OMIM 145900.
Hereditary liability to pressure palsies (HNPP). Also called: TOMACULOUS NEUROPATHY; Hereditary Neuropathy with Liability to Pressure Palsies; POLYNEUROPATHY, FAMILIAL RECURRENT. Identifiers: Orphanet 640, MedGen C0393814, MONDO:0008087, OMIM 162500.
Guillain-Barre syndrome, familial (GBS). Identifiers: Orphanet 98916, MedGen C4083008, MONDO:0007691, OMIM 139393.
Roussy-Lévy syndrome. Also called: Roussy-Levy Syndrome; Roussy Levy hereditary areflexic dystasia; Roussy-Levy disease; Hereditary areflexic dystasia. Identifiers: Orphanet 3115, MedGen C0205713, MONDO:0008392, OMIM 180800.
Charcot-Marie-Tooth disease type 1E. Also called: CHARCOT-MARIE-TOOTH DISEASE, DEMYELINATING, TYPE 1E; CHARCOT-MARIE-TOOTH NEUROPATHY AND DEAFNESS, AUTOSOMAL DOMINANT; Charcot-Marie-Tooth disease and deafness; Charcot-Marie-Tooth Neuropathy Type 1E. Identifiers: Orphanet 90658, MedGen C3495591, MONDO:0007311, OMIM 118300.
Charcot-Marie-Tooth disease, type IA (CMT1A). Also called: CHARCOT-MARIE-TOOTH DISEASE, DEMYELINATING, TYPE 1A; HEREDITARY MOTOR AND SENSORY NEUROPATHY IA; CHARCOT-MARIE-TOOTH DISEASE, AUTOSOMAL DOMINANT, WITH FOCALLY FOLDED MYELIN SHEATHS, TYPE 1A; CHARCOT-MARIE-TOOTH NEUROPATHY, TYPE 1A; Charcot-Marie-Tooth disease type 1A; CMT 1A. Identifiers: Orphanet 101081, MedGen C0270911, MONDO:0007309, OMIM 118220.

Allele frequency attached by ClinVar (database versions not stated): gnomAD 0.00002; gnomAD exomes 0.00002 and 0.00006; TOPMed 0.00003.
gnomAD v4.1: 94 of 1,613,930 alleles (0.0058%); highest among the groups gnomAD compares: African/African-American, 0.008%; no homozygotes.

Submissions (7):

PreventionGenetics, part of Exact Sciences
Classification: Uncertain significance for PMP22-related condition. Last evaluated: 2026-01-29. Review status: criteria provided, single submitter. Criteria: ACMG Guidelines, 2015. Collection method: clinical testing. Allele origin: germline.
Comment: The PMP22 c.255C>G variant is predicted to result in the amino acid substitution p.Cys85Trp. To our knowledge, this variant has not been reported in the literature. This variant is reported in 0.0040% of alleles in individuals of African descent in gnomAD. At this time, the clinical significance of this variant is uncertain due to the absence of conclusive functional and genetic evidence.

Labcorp Genetics (formerly Invitae), Labcorp
Classification: Uncertain significance for Charcot-Marie-Tooth disease, type I. Last evaluated: 2024-12-15. Review status: criteria provided, single submitter. Criteria: Invitae Variant Classification Sherloc (09022015). Collection method: clinical testing. Allele origin: germline.
Comment: This sequence change replaces cysteine, which is neutral and slightly polar, with tryptophan, which is neutral and slightly polar, at codon 85 of the PMP22 protein (p.Cys85Trp). This variant is present in population databases (rs755701957, gnomAD 0.004%). This variant has not been reported in the literature in individuals affected with PMP22-related conditions. ClinVar contains an entry for this variant (Variation ID: 531692). An algorithm developed to predict the effect of missense changes on protein structure and function (PolyPhen-2) suggests that this variant is likely to be disruptive. In summary, the available evidence is currently insufficient to determine the role of this variant in disease. Therefore, it has been classified as a Variant of Uncertain Significance.

Fulgent Genetics
Classification: Uncertain significance for Charcot-Marie-Tooth disease, type IA; Charcot-Marie-Tooth disease type 1E; Guillain-Barre syndrome, familial; Dejerine-Sottas disease; Hereditary liability to pressure palsies; Roussy-Lévy syndrome. Last evaluated: 2022-03-16. Review status: criteria provided, single submitter. Criteria: ACMG Guidelines, 2015. Collection method: clinical testing. Allele origin: unknown.

Ambry Genetics
Classification: Uncertain significance for Inborn genetic diseases. Last evaluated: 2021-11-09. Review status: criteria provided, single submitter. Criteria: Ambry Variant Classification Scheme 2023. Collection method: clinical testing. Allele origin: germline.
Comment: The p.C85W variant (also known as c.255C>G), located in coding exon 3 of the PMP22 gene, results from a C to G substitution at nucleotide position 255. The cysteine at codon 85 is replaced by tryptophan, an amino acid with highly dissimilar properties. This amino acid position is conserved. In addition, the in silico prediction for this alteration is inconclusive. Since supporting evidence is limited at this time, the clinical significance of this alteration remains unclear.

Athena Diagnostics
Classification: Uncertain significance. Last evaluated: 2021-06-28. Review status: criteria provided, single submitter. Criteria: Athena Diagnostics Criteria. Collection method: clinical testing. Allele origin: unknown.

Mayo Clinic Laboratories, Mayo Clinic
Classification: Uncertain significance. Last evaluated: 2019-06-03. Review status: criteria provided, single submitter. Criteria: ACMG Guidelines, 2015. Collection method: clinical testing. Allele origin: germline. Observed: 1 variant allele.

Genesis Genome Database
Classification: Uncertain significance for Distal spinal muscular atrophy. Last evaluated: 2019-08-14. Review status: no assertion criteria provided. Collection method: research. Allele origin: germline. Affected: yes. Not counted in ClinVar's aggregate classification.